The following is an entry in ClinVar:

NM_000452.3(SLC10A2):c.562dup (p.Gln188fs)

Gene: SLC10A2 (solute carrier family 10 member 2; minus strand). Cytogenetic location: 13q33.1.
Variant type: Duplication.
Coding change: c.562dup on transcript NM_000452.3 (MANE Select); coding-DNA position 562, one base duplicated (C; older notation c.562dupC).
Protein change: p.Gln188fs; shifts the reading frame from glutamine 188.
Molecular consequence: frameshift variant.
Genome position (GRCh38, 1-based): chr13:103,052,643, G duplicated on the plus strand (C on the coding strand, the reverse complement: SLC10A2 is on the minus strand); the first of 4 consecutive G bases (chr13:103,052,643-103,052,646); duplicating any one gives the same sequence. VCF-style (leftmost placement, unchanged base first): chr13-103052642-T-TG. GRCh37 (hg19) VCF-style: chr13-103704992-T-TG.
Other names: short protein forms Q188fs.
Identifiers: ClinVar variation 2786399 (VCV002786399.3), dbSNP rs1875818772, ClinGen allele CA2115298671.

ClinVar aggregate classification (germline): Uncertain significance (1 of 4 stars; one submission).

Submission:

Labcorp Genetics (formerly Invitae), Labcorp
Classification: Uncertain significance. Last evaluated: 2023-11-22. Review status: criteria provided, single submitter. Criteria: Invitae Variant Classification Sherloc (09022015). Collection method: clinical testing. Allele origin: germline.
Comment: This sequence change creates a premature translational stop signal (p.Gln188Profs*8) in the SLC10A2 gene. It is expected to result in an absent or disrupted protein product. However, the current clinical and genetic evidence is not sufficient to establish whether loss-of-function variants in SLC10A2 cause disease. This variant is not present in population databases (gnomAD no frequency). This variant has not been reported in the literature in individuals affected with SLC10A2-related conditions. In summary, the available evidence is currently insufficient to determine the role of this variant in disease. Therefore, it has been classified as a Variant of Uncertain Significance.